The following is an entry in ClinVar:

ClinVar aggregate classification (germline): Uncertain significance. Review status: criteria provided, multiple submitters, no conflicts (2 of 4 stars). 3 submissions from 3 submitters: Uncertain significance (2). 1 of the submissions does not count toward it. Last evaluated 2022-10-28.

Conditions:
Glycogen storage disease, type IV (GSD4). Also called: Glycogen storage disease due to glycogen branching enzyme deficiency; AMYLOPECTINOSIS; ANDERSEN DISEASE; BRANCHER DEFICIENCY; CIRRHOSIS, FAMILIAL, WITH DEPOSITION OF ABNORMAL GLYCOGEN; GBE1 DEFICIENCY. Identifiers: Orphanet 367, MedGen C0017923, MONDO:0009292, OMIM 232500.
Glycogen storage disease IV, classic hepatic. Also called: GSD IV, CLASSIC HEPATIC. Identifiers: MedGen C1856301.

Allele frequency attached by ClinVar (database versions not stated): ExAC 0.00001; TOPMed 0.00001.
gnomAD v4.1: 12 of 1,598,142 alleles (0.00075%); highest among the groups gnomAD compares: Non-Finnish European, 0.001%; no homozygotes.

Submissions (3):

GeneDx
Classification: Uncertain significance. Last evaluated: 2022-10-28. Review status: criteria provided, single submitter. Criteria: GeneDx Variant Classification Process June 2021. Collection method: clinical testing. Allele origin: germline. Affected: yes.
Comment: Not observed at significant frequency in large population cohorts (gnomAD); Has not been previously published as pathogenic or benign to our knowledge; In silico analysis is inconclusive as to whether the variant alters gene splicing. In the absence of RNA/functional studies, the actual effect of this sequence change is unknown.

Labcorp Genetics (formerly Invitae), Labcorp
Classification: Uncertain significance for Glycogen storage disease, type IV; Glycogen storage disease IV, classic hepatic. Last evaluated: 2022-04-13. Review status: criteria provided, single submitter. Criteria: Invitae Variant Classification Sherloc (09022015). Collection method: clinical testing. Allele origin: germline.
Comment: This sequence change falls in intron 13 of the GBE1 gene. It does not directly change the encoded amino acid sequence of the GBE1 protein. This variant is present in population databases (rs753097564, gnomAD 0.0009%). This variant has not been reported in the literature in individuals affected with GBE1-related conditions. ClinVar contains an entry for this variant (Variation ID: 1254149). Algorithms developed to predict the effect of sequence changes on RNA splicing suggest that this variant may disrupt the consensus splice site. In summary, the available evidence is currently insufficient to determine the role of this variant in disease. Therefore, it has been classified as a Variant of Uncertain Significance.

Natera, Inc.
Classification: Uncertain significance for Glycogen storage disease type IV. Last evaluated: 2020-07-02. Review status: no assertion criteria provided. Collection method: clinical testing. Allele origin: germline. Not counted in ClinVar's aggregate classification.

NM_000158.4(GBE1):c.1804-6T>G

Gene: GBE1 (1,4-alpha-glucan branching enzyme 1; minus strand). Cytogenetic location: 3p12.2.
Variant type: single nucleotide variant.
Coding change: c.1804-6T>G on transcript NM_000158.4 (MANE Select); 6 bases into the intron before coding-DNA position 1804, T replaced by G.
Molecular consequence: intron variant.
Genome position (GRCh38, 1-based): chr3:81,535,331, A>C on the plus strand (T>G on the coding strand, the complement: GBE1 is on the minus strand). VCF-style: chr3-81535331-A-C. GRCh37 (hg19) VCF-style: chr3-81584482-A-C.
Identifiers: ClinVar variation 1254149 (VCV001254149.6), dbSNP rs753097564, ClinGen allele CA2499548.